The following is an entry in ClinVar:

NM_007126.5(VCP):c.2111A>C (p.Glu704Ala)

Gene: VCP (valosin containing protein; minus strand). Cytogenetic location: 9p13.3.
Variant type: single nucleotide variant.
Coding change: c.2111A>C on transcript NM_007126.5 (MANE Select); coding-DNA position 2111, A replaced by C.
Protein change: p.Glu704Ala; replaces glutamic acid 704 with alanine.
Molecular consequence: missense variant.
Genome position (GRCh38, 1-based): chr9:35,059,113, T>G on the plus strand (A>C on the coding strand, the complement: VCP is on the minus strand). VCF-style: chr9-35059113-T-G. GRCh37 (hg19) VCF-style: chr9-35059110-T-G.
Other names: c.1976A>C, p.Glu659Ala (NM_001354927.2, NM_001354928.2); short protein forms E704A, E659A.
Identifiers: ClinVar variation 2921507 (VCV002921507.3), dbSNP rs2490345962, ClinGen allele CA373273572.

ClinVar aggregate classification (germline): Uncertain significance (1 of 4 stars; one submission).

Conditions:
Frontotemporal dementia and/or amyotrophic lateral sclerosis 6 (FTDALS6). Also called: VCP-Related Amyotrophic Lateral Sclerosis/Frontotemporal Dementia; VCP-Related Amyotrophic Lateral Sclerosis. Identifiers: Orphanet 275872, Orphanet 803, MedGen C5436279, MONDO:0013501, OMIM 613954.
Inclusion body myopathy with Paget disease of bone and frontotemporal dementia. Also called: Inclusion body myopathy with early-onset Paget disease and frontotemporal dementia. Identifiers: Orphanet 52430, MedGen C1833662, MONDO:0000507.

Submission:

Labcorp Genetics (formerly Invitae), Labcorp
Classification: Uncertain significance for Inclusion body myopathy with Paget disease of bone and frontotemporal dementia; Frontotemporal dementia and/or amyotrophic lateral sclerosis 6. Last evaluated: 2023-12-19. Review status: criteria provided, single submitter. Criteria: Invitae Variant Classification Sherloc (09022015). Collection method: clinical testing. Allele origin: germline.
Comment: This sequence change replaces glutamic acid, which is acidic and polar, with alanine, which is neutral and non-polar, at codon 704 of the VCP protein (p.Glu704Ala). This variant is not present in population databases (gnomAD no frequency). This variant has not been reported in the literature in individuals affected with VCP-related conditions. Advanced modeling of protein sequence and biophysical properties (such as structural, functional, and spatial information, amino acid conservation, physicochemical variation, residue mobility, and thermodynamic stability) performed at Invitae indicates that this missense variant is not expected to disrupt VCP protein function with a negative predictive value of 80%. In summary, the available evidence is currently insufficient to determine the role of this variant in disease. Therefore, it has been classified as a Variant of Uncertain Significance.